The following is an entry in ClinVar:

NM_000136.3(FANCC):c.875G>A (p.Arg292Gln)

Genes: AOPEP (aminopeptidase O (putative); plus strand), FANCC (FA complementation group C; minus strand). Cytogenetic location: 9q22.32.
Variant type: single nucleotide variant.
Coding change: c.875G>A on transcript NM_000136.3 (MANE Select); coding-DNA position 875, G replaced by A.
Protein change: p.Arg292Gln; replaces arginine 292 with glutamine.
Molecular consequence: missense variant.
Genome position (GRCh38, 1-based): chr9:95,126,550, C>T on the plus strand (G>A on the coding strand, the complement: FANCC is on the minus strand). VCF-style: chr9-95126550-C-T. GRCh37 (hg19) VCF-style: chr9-97888832-C-T.
Other names: c.875G>A, p.Arg292Gln (NM_001243743.2, NM_001243744.2); short protein forms R292Q.
Identifiers: ClinVar variation 219684 (VCV000219684.22), dbSNP rs747060782, ClinGen allele CA348436.

ClinVar aggregate classification (germline): Uncertain significance. Review status: criteria provided, multiple submitters, no conflicts (2 of 4 stars). 5 submissions from 5 submitters: Uncertain significance (4). 1 of the submissions does not count toward it. Last evaluated 2024-09-28.

Conditions:
Hereditary cancer-predisposing syndrome. Also called: Hereditary neoplastic syndrome; Tumor predisposition; Hereditary Cancer Syndrome; Neoplastic Syndromes, Hereditary. Identifiers: Orphanet 140162, MedGen C0027672, MeSH D009386, MONDO:0015356.
Fanconi anemia (FA). Also called: Fanconi's anemia. Identifiers: Orphanet 84, MedGen C0015625, MeSH D005199, MONDO:0019391.
Fanconi anemia complementation group C (FANCC). Also called: FANCC-Related Fanconi Anemia; Fanconi anemia, group C; FANCONI PANCYTOPENIA, TYPE 3; FACC. Identifiers: Orphanet 84, MedGen C3468041, MONDO:0009213, OMIM 227645.

Allele frequency attached by ClinVar (database versions not stated): gnomAD 0.00001; ExAC 0.00002; gnomAD exomes 0.00002; TOPMed 0.00002.
gnomAD v4.1: 35 of 1,613,904 alleles (0.0022%); highest among the groups gnomAD compares: East Asian, 0.0022%; no homozygotes.

Submissions (5):

Labcorp Genetics (formerly Invitae), Labcorp
Classification: Uncertain significance for Fanconi anemia. Last evaluated: 2024-09-28. Review status: criteria provided, single submitter. Criteria: Invitae Variant Classification Sherloc (09022015). Collection method: clinical testing. Allele origin: germline.
Comment: This sequence change replaces arginine, which is basic and polar, with glutamine, which is neutral and polar, at codon 292 of the FANCC protein (p.Arg292Gln). This variant is present in population databases (rs747060782, gnomAD 0.004%). This variant has not been reported in the literature in individuals affected with FANCC-related conditions. ClinVar contains an entry for this variant (Variation ID: 219684). Invitae Evidence Modeling of protein sequence and biophysical properties (such as structural, functional, and spatial information, amino acid conservation, physicochemical variation, residue mobility, and thermodynamic stability) indicates that this missense variant is expected to disrupt FANCC protein function with a positive predictive value of 80%. In summary, the available evidence is currently insufficient to determine the role of this variant in disease. Therefore, it has been classified as a Variant of Uncertain Significance.

Ambry Genetics
Classification: Uncertain significance for Hereditary cancer-predisposing syndrome. Last evaluated: 2024-08-30. Review status: criteria provided, single submitter. Criteria: Ambry Variant Classification Scheme 2023. Collection method: clinical testing. Allele origin: germline.
Comment: The p.R292Q variant (also known as c.875G>A), located in coding exon 8 of the FANCC gene, results from a G to A substitution at nucleotide position 875. The arginine at codon 292 is replaced by glutamine, an amino acid with highly similar properties. This alteration has been reported in an individual diagnosed with breast cancer from a cohort of 4034 cancer cases from The Cancer Genome Atlas (Lu C et al. Nat Commun, 2015 Dec;6:10086). This amino acid position is highly conserved in available vertebrate species. In addition, this alteration is predicted to be tolerated by in silico analysis. Based on the available evidence, the clinical significance of this variant remains unclear.

Fulgent Genetics
Classification: Uncertain significance for Fanconi anemia complementation group C. Last evaluated: 2024-05-24. Review status: criteria provided, single submitter. Criteria: ACMG Guidelines, 2015. Collection method: clinical testing. Allele origin: germline.

GeneDx
Classification: Uncertain significance. Last evaluated: 2024-01-16. Review status: criteria provided, single submitter. Criteria: GeneDx Variant Classification Process June 2021. Collection method: clinical testing. Allele origin: germline. Affected: yes.
Comment: Not observed at significant frequency in large population cohorts (gnomAD); In silico analysis supports that this missense variant has a deleterious effect on protein structure/function; Observed in an individual with breast cancer (PMID: 26689913); This variant is associated with the following publications: (PMID: Gordon2000[Book], 26689913)

Natera, Inc.
Classification: Uncertain significance for Fanconi anemia. Last evaluated: 2018-09-03. Review status: no assertion criteria provided. Collection method: clinical testing. Allele origin: germline. Not counted in ClinVar's aggregate classification.

Literature cited by the submitters: PubMed 26689913 (cited by Ambry Genetics).